The following is an entry in ClinVar:

ClinVar aggregate classification (germline): Uncertain significance. Review status: criteria provided, multiple submitters, no conflicts (2 of 4 stars). 2 submissions from 2 submitters: Uncertain significance (2). Last evaluated 2025-11-10.

Allele frequency attached by ClinVar (database versions not stated): ExAC 0.00012; TOPMed 0.00013; ESP Exome Variant Server 0.00015; gnomAD exomes 0.00016 and 0.00020; gnomAD 0.00021.
gnomAD v4.1: 319 of 1,613,270 alleles (0.02%); highest among the groups gnomAD compares: Non-Finnish European, 0.023%; no homozygotes.

Submissions (2):

Labcorp Genetics (formerly Invitae), Labcorp
Classification: Uncertain significance. Last evaluated: 2025-11-10. Review status: criteria provided, single submitter. Criteria: Invitae Variant Classification Sherloc (09022015). Collection method: clinical testing. Allele origin: germline.
Comment: This sequence change replaces serine, which is neutral and polar, with alanine, which is neutral and non-polar, at codon 458 of the GRM1 protein (p.Ser458Ala). This variant is present in population databases (rs151255685, gnomAD 0.03%). This variant has not been reported in the literature in individuals affected with GRM1-related conditions. ClinVar contains an entry for this variant (Variation ID: 804876). An algorithm developed to predict the effect of missense changes on protein structure and function (PolyPhen-2) suggests that this variant is likely to be disruptive. In summary, the available evidence is currently insufficient to determine the role of this variant in disease. Therefore, it has been classified as a Variant of Uncertain Significance.

Athena Diagnostics
Classification: Uncertain significance. Last evaluated: 2025-07-29. Review status: criteria provided, single submitter. Criteria: Athena Diagnostics Criteria. Collection method: clinical testing. Allele origin: unknown.
Comment: Available data are insufficient to determine the clinical significance of the variant at this time. The frequency of this variant in the general population is higher than would generally be expected for pathogenic variants in this gene. Polyphen and MutationTaster yielded discordant predictions regarding whether this amino acid change is damaging to the protein.

NM_001278064.2(GRM1):c.1372T>G (p.Ser458Ala)

Gene: GRM1 (glutamate metabotropic receptor 1; plus strand). Cytogenetic location: 6q24.3.
Variant type: single nucleotide variant.
Coding change: c.1372T>G on transcript NM_001278064.2 (MANE Select); coding-DNA position 1372, T replaced by G.
Protein change: p.Ser458Ala; replaces serine 458 with alanine.
Molecular consequence: missense variant.
Genome position (GRCh38, 1-based): chr6:146,352,435, T>G. VCF-style: chr6-146352435-T-G. GRCh37 (hg19) VCF-style: chr6-146673571-T-G.
Other names: c.1372T>G, p.Ser458Ala (NM_001278065.2, NM_001278066.1, NM_001278067.1); short protein forms S458A.
Identifiers: ClinVar variation 804876 (VCV000804876.8), dbSNP rs151255685, ClinGen allele CA4037275.